The following is an entry in ClinVar:

NM_002709.3(PPP1CB):c.493G>A (p.Asp165Asn)

Gene: PPP1CB (protein phosphatase 1 catalytic subunit beta; plus strand). Cytogenetic location: 2p23.2.
Variant type: single nucleotide variant.
Coding change: c.493G>A on transcript NM_002709.3 (MANE Select); coding-DNA position 493, G replaced by A.
Protein change: p.Asp165Asn; replaces aspartic acid 165 with asparagine.
Molecular consequence: missense variant.
Genome position (GRCh38, 1-based): chr2:28,781,815, G>A. VCF-style: chr2-28781815-G-A. GRCh37 (hg19) VCF-style: chr2-29004681-G-A.
Other names: c.493G>A, p.Asp165Asn (NM_206876.2); short protein forms D165N.
Identifiers: ClinVar variation 3256555 (VCV003256555.1).

ClinVar aggregate classification (germline): Likely pathogenic (1 of 4 stars; one submission).

Conditions:
Noonan syndrome-like disorder with loose anagen hair 2 (NSLH2). Identifiers: MedGen C4479577, MONDO:0054588, OMIM 617506.

Submission:

Laboratory of Medical Genetics, National & Kapodistrian University of Athens
Classification: Likely pathogenic for Noonan syndrome-like disorder with loose anagen hair 2. Last evaluated: 2023-10-18. Review status: criteria provided, single submitter. Criteria: ACMG Guidelines, 2015. Collection method: clinical testing. Allele origin: de novo. Affected: yes.
Comment: PS2, PM1, PM2 - Low frequency in gnomAD population databases. In silico prediction tools estimated that the variant could be damaging for the protein function/stracture. The variant was detected de-novo (paternity confirmed).